The following is an entry in ClinVar:

ClinVar aggregate classification (germline): Uncertain significance (1 of 4 stars; one submission).

Submission:

Labcorp Genetics (formerly Invitae), Labcorp
Classification: Uncertain significance. Last evaluated: 2024-10-04. Review status: criteria provided, single submitter. Criteria: Invitae Variant Classification Sherloc (09022015). Collection method: clinical testing. Allele origin: germline.
Comment: This sequence change replaces threonine, which is neutral and polar, with lysine, which is basic and polar, at codon 793 of the CLCN6 protein (p.Thr793Lys). This variant is not present in population databases (gnomAD no frequency). This variant has not been reported in the literature in individuals affected with CLCN6-related conditions. An algorithm developed to predict the effect of missense changes on protein structure and function (PolyPhen-2) suggests that this variant is likely to be tolerated. In summary, the available evidence is currently insufficient to determine the role of this variant in disease. Therefore, it has been classified as a Variant of Uncertain Significance.

NM_001286.5(CLCN6):c.2378C>A (p.Thr793Lys)

Gene: CLCN6 (chloride voltage-gated channel 6; plus strand). Cytogenetic location: 1p36.22.
Variant type: single nucleotide variant.
Coding change: c.2378C>A on transcript NM_001286.5 (MANE Select); coding-DNA position 2378, C replaced by A.
Protein change: p.Thr793Lys; replaces threonine 793 with lysine.
Molecular consequence: missense variant. On other transcripts: non-coding transcript variant (1).
Genome position (GRCh38, 1-based): chr1:11,838,417, C>A. VCF-style: chr1-11838417-C-A. GRCh37 (hg19) VCF-style: chr1-11898474-C-A.
Other names: c.2312C>A, p.Thr771Lys (NM_001256959.2); short protein forms T793K, T771K.
Identifiers: ClinVar variation 3722211 (VCV003722211.2).